The following is an entry in ClinVar:

ClinVar aggregate classification (germline): Pathogenic/Likely pathogenic. Review status: criteria provided, multiple submitters, no conflicts (2 of 4 stars). 17 submissions from 17 submitters: Pathogenic (13); Likely pathogenic (1). 3 of the submissions do not count toward it. Last evaluated 2025-12-01.

Conditions:
GCDH-related disorder. Also called: GCDH-related condition.
Glutaric aciduria, type 1. Also called: Glutaryl-CoA dehydrogenase deficiency; GA I; Glutaric Acidemia Type 1; Glutaricaciduria, type I; Glutaric acidemia type I; Glutaricacidemia Type 1. Identifiers: Orphanet 25, MedGen C0268595, MONDO:0009281, OMIM 231670.

Allele frequency attached by ClinVar (database versions not stated): ExAC 0.00001; TOPMed 0.00002; gnomAD exomes 0.00001 and 0.00002; gnomAD 0.00003.

Submissions 1 to 12 of 17:

Labcorp Genetics (formerly Invitae), Labcorp
Classification: Pathogenic for Glutaric aciduria, type 1. Last evaluated: 2025-12-01. Review status: criteria provided, single submitter. Criteria: Invitae Variant Classification Sherloc (09022015). Collection method: clinical testing. Allele origin: germline.
Comment: This sequence change replaces arginine, which is basic and polar, with tryptophan, which is neutral and slightly polar, at codon 257 of the GCDH protein (p.Arg257Trp). This variant is present in population databases (rs766518430, gnomAD 0.01%). This missense change has been observed in individual(s) with biochemical or enzymatic findings that are highly specific for glutaric aciduria type I (PMID: 9600243, 10699052, 15505393, 18683078, 19433437, 21176883, 21228398, 22728054, 24332224, 25762492; internal data). ClinVar contains an entry for this variant (Variation ID: 188872). Invitae Evidence Modeling of protein sequence and biophysical properties (such as structural, functional, and spatial information, amino acid conservation, physicochemical variation, residue mobility, and thermodynamic stability) indicates that this missense variant is expected to disrupt GCDH protein function with a positive predictive value of 80%. For these reasons, this variant has been classified as Pathogenic.

Natera, Inc.
Classification: Pathogenic for Glutaric acidemia type 1. Last evaluated: 2025-08-11. Review status: criteria provided, single submitter. Criteria: Natera Variant Classification Schema (03/2026). Collection method: clinical testing. Allele origin: germline.
Comment: The c.769C>T variant in GCDH is a missense variant predicted to cause substitution of arginine to tryptophan at amino acid 257. This variant is rare in the general population with a frequency below the threshold expected for the associated phenotype(s). This variant has been observed in one or more individuals affected with the associated recessive disease, as either homozygous or compound heterozygous with a second variant (PMID: 24332224). Given the available evidence, this variant is classified as Pathogenic.

Mayo Clinic Laboratories, Mayo Clinic
Classification: Pathogenic. Last evaluated: 2025-04-16. Review status: criteria provided, single submitter. Criteria: ACMG Guidelines, 2015. Collection method: clinical testing. Allele origin: germline. Observed: 1 variant allele.
Comment: PP3_moderate, PP4, PM2_supporting, PM3_very_strong, PS3

Revvity Omics, Revvity
Classification: Pathogenic for Glutaric aciduria, type 1. Last evaluated: 2024-04-29. Review status: criteria provided, single submitter. Criteria: ACMG Guidelines, 2015. Collection method: clinical testing. Allele origin: germline.

Genomic Medicine Center of Excellence, King Faisal Specialist Hospital and Research Centre
Classification: Pathogenic for Glutaric aciduria, type 1. Last evaluated: 2024-03-17. Review status: criteria provided, single submitter. Criteria: ACMG Guidelines, 2015. Collection method: research. Allele origin: germline.

Women's Health and Genetics/Laboratory Corporation of America, LabCorp
Classification: Pathogenic for Glutaric aciduria, type 1. Last evaluated: 2024-01-12. Review status: criteria provided, single submitter. Criteria: LabCorp Variant Classification Summary - May 2015. Collection method: clinical testing. Allele origin: germline.
Comment: Variant summary: GCDH c.769C>T (p.Arg257Trp) results in a non-conservative amino acid change located in the Acyl-CoA oxidase/dehydrogenase, middle domain (IPR006091) of the encoded protein sequence. Five of five in-silico tools predict a damaging effect of the variant on protein function. The variant allele was found at a frequency of 2e-05 in 251274 control chromosomes. c.769C>T has been reported in the literature in multiple homozygous and compound heterozygous individuals affected with Glutaric Acidemia Type 1 (e.g. Gupta_2015, Bell_2011, Lin_2016, Wang_2014). These data indicate that the variant is very likely to be associated with disease. To our knowledge, no experimental evidence demonstrating an impact on protein function has been reported. The following publications have been ascertained in the context of this evaluation (PMID: 21228398, 25762492, 30904546, 24332224). ClinVar contains an entry for this variant (Variation ID: 188872). Based on the evidence outlined above, the variant was classified as pathogenic.

Blueprint Genetics
Classification: Pathogenic for GCDH-related disorders. Last evaluated: 2023-08-31. Review status: criteria provided, single submitter. Criteria: ACMG Guidelines, 2015. Collection method: clinical testing. Allele origin: germline. Affected: yes. Observed: 1 variant allele.

Victorian Clinical Genetics Services, Murdoch Childrens Research Institute
Classification: Pathogenic for Glutaric aciduria, type 1. Last evaluated: 2023-07-17. Review status: criteria provided, single submitter. Criteria: ACMG Guidelines, 2015. Collection method: clinical testing. Allele origin: germline. Inheritance: Autosomal recessive inheritance. Affected: yes.
Comment: Based on the classification scheme VCGS_Germline_v1.3.4, this variant is classified as Pathogenic. Following criteria are met: 0102 - Loss of function is a known mechanism of disease in this gene and is associated with glutaric aciduria type I (GA-I, MIM#231670). (I) 0106 - This gene is associated with autosomal recessive disease. (I) 0115 - Variants in this gene are known to have variable expressivity (PMID: 31536184). (I) 0200 - Variant is predicted to result in a missense amino acid change from arginine to tryptophan. (I) 0251 - This variant is heterozygous. (I) 0304 - Variant is present in gnomAD (v2) <0.01 for a recessive condition (5 heterozygotes, 0 homozygotes). (SP) 0309 - An alternative amino acid change at the same position has been observed in gnomAD (v2) (6 heterozygotes, 0 homozygotes). (I) 0501 - Missense variant consistently predicted to be damaging by multiple in silico tools or highly conserved with a major amino acid change. (SP) 0600 - Variant is located in the annotated Acyl-CoA dehydrogenase, middle domain (DECIPHER). (I) 0703 - Another missense variant comparable to the one identified in this case has moderate previous evidence for pathogenicity. p.(Arg257Gln) has been classified as pathogenic or likely pathogenic by clinical laboratories in ClinVar. (SP) 0801 - This variant has strong previous evidence of pathogenicity in unrelated individuals. This variant has been classified as pathogenic or likely pathogenic by clinical laboratories in ClinVar, and has been observed as compound heterozygous or homozygous in individuals with GA-I (PMIDs: 21176883, 34344405, 25762492, 34207159). (SP) 1101 - Very strong and specific phenotype match for this individual. (SP) 1201 - Heterozygous variant detected in trans with a second pathogenic heterozygous variant (c.281G>A; p.(Arg94Gln)) in a recessive disease. (I) Legend: (SP) - Supporting pathogenic, (I) - Information, (SB) - Supporting benign

Laboratory for Molecular Medicine, Mass General Brigham Personalized Medicine
Classification: Pathogenic for Glutaric aciduria, type 1. Last evaluated: 2022-08-30. Review status: criteria provided, single submitter. Criteria: ACMG Guidelines, 2015. Collection method: clinical testing. Allele origin: germline.
Comment: The p.Arg257Trp variant in GCDH has been reported in at least 9 individuals with glutaric acidemia type 1 and segregated with disease in at least 2 affected individuals from 2 families (Bijarnia 2008 PMID: 18683078, Harting 2009 PMID: 19433437, Mushimoto 2011 PMID: 21176883, Viau 2012 PMID: 22728054, Wang 2014 PMID: 24332224, Schwartz 1998 PMID: 9600243, Lin 2021 PMID: 34344405, Spenger 2021 PMID: 34207159, Paria 2022 PMID: 35662016). It has also been identified in 0.004% (3/68022) of European chromosomes by gnomAD. Functional analyses of these individuals showed enzyme deficiency of GCDH (Schwartz 1998 PMID: 9600243, Harting 2009 PMID: 19433437, Mushimoto 2011 PMID: 21176883). This variant has also been reported in ClinVar (Variation ID 188872). Computational prediction tools and conservation analyses suggest that this variant may impact the protein, though this information is not predictive enough to determine pathogenicity. Another variant involving this codon (p.Arg257Gln) has been identified in individuals with glutaric acidemia and have been classified as pathogenic by other laboratories. In summary, this variant meets criteria to be classified as pathogenic for autosomal recessive glutaric acidemia type 1. ACMG/AMP Criteria applied: PM3_Strong, PM5, PP1_Moderate, PM2_Supporting, PP3.

Fulgent Genetics
Classification: Pathogenic for Glutaric aciduria, type 1. Last evaluated: 2021-11-13. Review status: criteria provided, single submitter. Criteria: ACMG Guidelines, 2015. Collection method: clinical testing. Allele origin: unknown.

GeneDx
Classification: Pathogenic. Last evaluated: 2021-03-31. Review status: criteria provided, single submitter. Criteria: GeneDx Variant Classification Process June 2021. Collection method: clinical testing. Allele origin: germline. Affected: yes.
Comment: Not observed at a significant frequency in large population cohorts (Lek et al., 2016); In silico analysis supports that this missense variant has a deleterious effect on protein structure/function; This variant is associated with the following publications: (PMID: 10699052, 22728054, 9711871, 19433437, 18683078, 9600243, 21228398, 24332224, 21176883, 15505393, 25762492, 32508882, 32777384)

Clinical Genetics Service, Universitary Hospital 12 de Octubre
Classification: Pathogenic for Glutaric aciduria, type 1. Review status: criteria provided, single submitter. Criteria: ACMG Guidelines, 2015. Collection method: clinical testing. Allele origin: germline. Affected: yes.

NM_000159.4(GCDH):c.769C>T (p.Arg257Trp)

Gene: GCDH (glutaryl-CoA dehydrogenase; plus strand). Cytogenetic location: 19p13.13.
Variant type: single nucleotide variant.
Coding change: c.769C>T on transcript NM_000159.4 (MANE Select); coding-DNA position 769, C replaced by T.
Protein change: p.Arg257Trp; replaces arginine 257 with tryptophan.
Molecular consequence: missense variant. On other transcripts: non-coding transcript variant (2).
Genome position (GRCh38, 1-based): chr19:12,896,338, C>T. VCF-style: chr19-12896338-C-T. GRCh37 (hg19) VCF-style: chr19-13007152-C-T.
Other names: c.769C>T, p.Arg257Trp (NM_013976.5); short protein forms R257W.
Identifiers: ClinVar variation 188872 (VCV000188872.34), dbSNP rs766518430, ClinGen allele CA274064.
Genomic context (GRCh38, chr19:12,896,338, plus strand): 5'-CTGCTGGAGAAGGGGATGCGGGGTCTCTCGGCCCCCAGGATCCAGGGCAAGTTCTCGCTG[C>T]GGGCCTCAGCCACAGGCATGATCATCATGGACGGTGTGGAGGTGCCAGAGGAGAATGTGC-3'
Protein context (NP_000150.1, residues 247-267): APRIQGKFSL[Arg257Trp]ASATGMIIMD